The following is an entry in ClinVar:

ClinVar aggregate classification (germline): Likely benign. Review status: criteria provided, multiple submitters, no conflicts (2 of 4 stars). 5 submissions from 5 submitters: Likely benign (5). Last evaluated 2025-09-09.

Conditions:
Familial thoracic aortic aneurysm and aortic dissection (TAAD). Also called: Thoracic aortic aneurysms and dissections. Identifiers: Orphanet 91387, MedGen C4707243, MONDO:0019625.
Aortic aneurysm, familial thoracic 4 (AAT4). Also called: AORTIC ANEURYSM/AORTIC DISSECTION AND PATENT DUCTUS ARTERIOSUS. Identifiers: MedGen C1851504, MONDO:0007568, OMIM 132900.

Allele frequency attached by ClinVar (database versions not stated): gnomAD 0.00001; TOPMed 0.00001; gnomAD exomes 0.00002 and 0.00004; ExAC 0.00005.
gnomAD v4.1: 26 of 1,613,962 alleles (0.0016%); highest among the groups gnomAD compares: South Asian, 0.011%; no homozygotes.

Submissions (5):

Labcorp Genetics (formerly Invitae), Labcorp
Classification: Likely benign for Aortic aneurysm, familial thoracic 4. Last evaluated: 2025-09-09. Review status: criteria provided, single submitter. Criteria: Invitae Variant Classification Sherloc (09022015). Collection method: clinical testing. Allele origin: germline.

Blueprint Genetics
Classification: Likely benign. Last evaluated: 2024-07-02. Review status: criteria provided, single submitter. Criteria: ACMG Guidelines, 2015. Collection method: clinical testing. Allele origin: germline.

All of Us Research Program, National Institutes of Health
Classification: Likely benign for Familial thoracic aortic aneurysm and aortic dissection. Last evaluated: 2023-10-27. Review status: criteria provided, single submitter. Criteria: ACMG Guidelines, 2015. Collection method: clinical testing. Allele origin: germline. Inheritance: Autosomal dominant inheritance. Observed: 2 variant alleles, 2 heterozygotes.
Comment: This study involves interpretation of variants in research participants for the purpose of population health screening. Participant phenotype was not available at the time of variant classification. Additional details can be found in publication PMID: 35346344, PMCID: PMC8962531

Color Diagnostics, LLC DBA Color Health
Classification: Likely benign for Familial thoracic aortic aneurysm and aortic dissection. Last evaluated: 2019-01-22. Review status: criteria provided, single submitter. Criteria: ACMG Guidelines, 2015. Collection method: clinical testing. Allele origin: germline.

GeneDx
Classification: Likely benign. Last evaluated: 2015-12-28. Review status: criteria provided, single submitter. Criteria: GeneDx Variant Classification (06012015). Collection method: clinical testing. Allele origin: germline. Affected: yes.
Comment: This variant is considered likely benign or benign based on one or more of the following criteria: it is a conservative change, it occurs at a poorly conserved position in the protein, it is predicted to be benign by multiple in silico algorithms, and/or has population frequency not consistent with disease.

NM_002474.3(MYH11):c.1576-15A>G

Gene: MYH11 (myosin heavy chain 11; minus strand). Cytogenetic location: 16p13.11.
Variant type: single nucleotide variant.
Coding change: c.1576-15A>G on transcript NM_002474.3 (MANE Select); 15 bases into the intron before coding-DNA position 1576, A replaced by G.
Molecular consequence: intron variant.
Genome position (GRCh38, 1-based): chr16:15,756,529, T>C on the plus strand (A>G on the coding strand, the complement: MYH11 is on the minus strand). VCF-style: chr16-15756529-T-C. GRCh37 (hg19) VCF-style: chr16-15850386-T-C.
Other names: c.1576-15A>G (NM_022844.3); c.1597-15A>G (NM_001040114.2, NM_001040113.2).
Identifiers: ClinVar variation 382500 (VCV000382500.8), dbSNP rs760708640, ClinGen allele CA7922561.
Genomic context (GRCh38, chr16:15,756,529, plus strand): 5'-ACCAGCATTCCTCGTCCAGCAGGGCCAGCACACCTGGAGGGTTGTTCTGTGGGAGACAAG[T>C]AGGGCTTGAATCAGAGAGAACACCCAACCTCAGGCATTCCATGAAGAGCTGGCCAACTAT-3'